The following is an entry in ClinVar:

NM_001164508.2(NEB):c.11538G>A (p.Trp3846Ter)

Gene: NEB (nebulin; minus strand). Cytogenetic location: 2q23.3.
Variant type: single nucleotide variant.
Coding change: c.11538G>A on transcript NM_001164508.2 (MANE Select); coding-DNA position 11538, G replaced by A.
Protein change: p.Trp3846Ter; replaces tryptophan 3846 with a stop codon.
Molecular consequence: nonsense.
Genome position (GRCh38, 1-based): chr2:151,614,339, C>T on the plus strand (G>A on the coding strand, the complement: NEB is on the minus strand). VCF-style: chr2-151614339-C-T. GRCh37 (hg19) VCF-style: chr2-152470853-C-T.
Other names: c.11538G>A, p.Trp3846Ter (NM_001164507.2, NM_001271208.2); c.10809G>A, p.Trp3603Ter (NM_004543.5); short protein forms W3603*, W3846*.
Identifiers: ClinVar variation 3659684 (VCV003659684.2).

ClinVar aggregate classification (germline): Pathogenic (1 of 4 stars; one submission).

Conditions:
Nemaline myopathy 2 (NEM2). Also called: Nemaline myopathy 2, autosomal recessive. Identifiers: MedGen C1850569, MONDO:0009725, OMIM 256030.

Submission:

Labcorp Genetics (formerly Invitae), Labcorp
Classification: Pathogenic for Nemaline myopathy 2. Last evaluated: 2024-12-17. Review status: criteria provided, single submitter. Criteria: Invitae Variant Classification Sherloc (09022015). Collection method: clinical testing. Allele origin: germline.
Comment: This sequence change creates a premature translational stop signal (p.Trp3846*) in the NEB gene. It is expected to result in an absent or disrupted protein product. Loss-of-function variants in NEB are known to be pathogenic (PMID: 25205138). This variant is not present in population databases (gnomAD no frequency). This variant has not been reported in the literature in individuals affected with NEB-related conditions. For these reasons, this variant has been classified as Pathogenic.

Literature cited by the submitters: PubMed 25205138.